The following is an entry in ClinVar:

ClinVar aggregate classification (germline): Uncertain significance (1 of 4 stars; one submission).

Allele frequency attached by ClinVar (database versions not stated): gnomAD exomes below 0.00001; ExAC 0.00002.
gnomAD v4.1: 2 of 1,611,168 alleles (0.00012%); highest among the groups gnomAD compares: South Asian, 0.0022%; no homozygotes.

Submission:

Labcorp Genetics (formerly Invitae), Labcorp
Classification: Uncertain significance. Last evaluated: 2023-10-03. Review status: criteria provided, single submitter. Criteria: Invitae Variant Classification Sherloc (09022015). Collection method: clinical testing. Allele origin: germline.
Comment: This sequence change replaces valine, which is neutral and non-polar, with methionine, which is neutral and non-polar, at codon 908 of the MICAL1 protein (p.Val908Met). This variant is present in population databases (rs749344632, gnomAD 0.003%). This variant has not been reported in the literature in individuals affected with MICAL1-related conditions. ClinVar contains an entry for this variant (Variation ID: 2031313). Algorithms developed to predict the effect of missense changes on protein structure and function output the following: SIFT: "Not Available"; PolyPhen-2: "Benign"; Align-GVGD: "Not Available". The methionine amino acid residue is found in multiple mammalian species, which suggests that this missense change does not adversely affect protein function. In summary, the available evidence is currently insufficient to determine the role of this variant in disease. Therefore, it has been classified as a Variant of Uncertain Significance.

NM_022765.4(MICAL1):c.2665G>A (p.Val889Met)

Gene: MICAL1 (microtubule associated monooxygenase, calponin and LIM domain containing 1; minus strand). Cytogenetic location: 6q21.
Variant type: single nucleotide variant.
Coding change: c.2665G>A on transcript NM_022765.4 (MANE Select); coding-DNA position 2665, G replaced by A.
Protein change: p.Val889Met; replaces valine 889 with methionine.
Molecular consequence: missense variant.
Genome position (GRCh38, 1-based): chr6:109,445,779, C>T on the plus strand (G>A on the coding strand, the complement: MICAL1 is on the minus strand). VCF-style: chr6-109445779-C-T. GRCh37 (hg19) VCF-style: chr6-109766982-C-T.
Other names: c.2407G>A, p.Val803Met (NM_001159291.2); c.2722G>A, p.Val908Met (NM_001286613.2); short protein forms V908M, V803M, V889M.
Identifiers: ClinVar variation 2031313 (VCV002031313.4), dbSNP rs749344632, ClinGen allele CA3952822.